The following is an entry in ClinVar:

ClinVar aggregate classification (germline): Uncertain significance. Review status: criteria provided, multiple submitters, no conflicts (2 of 4 stars). 2 submissions from 2 submitters: Uncertain significance (2). Last evaluated 2024-12-13.

Conditions:
Inborn genetic diseases. Identifiers: MedGen C0950123, MeSH D030342.
Early-infantile DEE. Also called: Early infantile epileptic encephalopathy; Ohtahara syndrome; Early infantile epileptic encephalopathy with suppression bursts. Identifiers: Orphanet 1934, MedGen C0393706, MONDO:0800491.

Allele frequency attached by ClinVar (database versions not stated): TOPMed below 0.00001; ExAC 0.00002; gnomAD exomes 0.00002.
gnomAD v4.1: 28 of 1,613,896 alleles (0.0017%); highest among the groups gnomAD compares: Non-Finnish European, 0.0024%; no homozygotes.

Submissions (2):

Labcorp Genetics (formerly Invitae), Labcorp
Classification: Uncertain significance for Early-infantile DEE. Last evaluated: 2024-12-13. Review status: criteria provided, single submitter. Criteria: Invitae Variant Classification Sherloc (09022015). Collection method: clinical testing. Allele origin: germline.
Comment: This sequence change replaces arginine, which is basic and polar, with glutamine, which is neutral and polar, at codon 165 of the KCNQ2 protein (p.Arg165Gln). This variant is present in population databases (rs756153757, gnomAD 0.004%). This variant has not been reported in the literature in individuals affected with KCNQ2-related conditions. ClinVar contains an entry for this variant (Variation ID: 1744320). Invitae Evidence Modeling of protein sequence and biophysical properties (such as structural, functional, and spatial information, amino acid conservation, physicochemical variation, residue mobility, and thermodynamic stability) indicates that this missense variant is expected to disrupt KCNQ2 protein function with a positive predictive value of 95%. In summary, the available evidence is currently insufficient to determine the role of this variant in disease. Therefore, it has been classified as a Variant of Uncertain Significance.

Ambry Genetics
Classification: Uncertain significance for Inborn genetic diseases. Last evaluated: 2020-06-11. Review status: criteria provided, single submitter. Criteria: Ambry Variant Classification Scheme 2023. Collection method: clinical testing. Allele origin: germline.

NM_172107.4(KCNQ2):c.494G>A (p.Arg165Gln)

Gene: KCNQ2 (potassium voltage-gated channel subfamily Q member 2; minus strand). Cytogenetic location: 20q13.33.
Variant type: single nucleotide variant.
Coding change: c.494G>A on transcript NM_172107.4 (MANE Select); coding-DNA position 494, G replaced by A.
Protein change: p.Arg165Gln; replaces arginine 165 with glutamine.
Molecular consequence: missense variant.
Genome position (GRCh38, 1-based): chr20:63,445,258, C>T on the plus strand (G>A on the coding strand, the complement: KCNQ2 is on the minus strand). VCF-style: chr20-63445258-C-T. GRCh37 (hg19) VCF-style: chr20-62076611-C-T.
Other names: c.494G>A, p.Arg165Gln (NM_001382235.1, NM_004518.6, NM_172106.3 and 2 more transcripts); short protein forms R165Q.
Identifiers: ClinVar variation 1744320 (VCV001744320.7), dbSNP rs756153757, ClinGen allele CA9958808.